The following is an entry in ClinVar:

NM_000051.4(ATM):c.5002C>T (p.Leu1668=)

Gene: ATM (ATM serine/threonine kinase; plus strand). Cytogenetic location: 11q22.3.
Variant type: single nucleotide variant.
Coding change: c.5002C>T on transcript NM_000051.4 (MANE Select); coding-DNA position 5002, C replaced by T.
Protein change: p.Leu1668=; no amino-acid change (leucine 1668 retained).
Molecular consequence: synonymous variant.
Genome position (GRCh38, 1-based): chr11:108,297,379, C>T. VCF-style: chr11-108297379-C-T. GRCh37 (hg19) VCF-style: chr11-108168106-C-T.
Other names: c.5002C>T, p.Leu1668= (NM_001351834.2).
Identifiers: ClinVar variation 220386 (VCV000220386.51), dbSNP rs747317946, ClinGen allele CA350792.
Genomic context (GRCh38, chr11:108,297,379, plus strand): 5'-GTTGTCAATTTGTTGCAGTTATCCAAGATGGCAATAAACCACACTGGTGAAAAAGAAGTT[C>T]TAGGTAAACTACAGTCATGCGCTGCGTGACATTTCAGTCAACTGCGGATCACATATAGGA-3'
Protein context (NP_000042.3, residues 1658-1678): AINHTGEKEV[Leu1668=]EAVGSCLGEV

ClinVar aggregate classification (germline): Conflicting classifications of pathogenicity. Review status: criteria provided, conflicting classifications (1 of 4 stars). 12 submissions from 12 submitters: Uncertain significance (1); Benign (1); Likely benign (9). 1 of the submissions does not count toward it. Last evaluated 2025-12-17.

Conditions:
Breast and/or ovarian cancer. Identifiers: MedGen CN221562.
Hereditary cancer-predisposing syndrome. Also called: Neoplastic Syndromes, Hereditary; Hereditary Cancer Syndrome; Tumor predisposition; Hereditary neoplastic syndrome. Identifiers: Orphanet 140162, MedGen C0027672, MeSH D009386, MONDO:0015356.
Familial cancer of breast. Also called: Hereditary breast cancer; hereditary breast carcinoma; BREAST CANCER, FAMILIAL. Identifiers: Orphanet 227535, MedGen C0346153, MONDO:0016419, OMIM 114480. Disease mechanism: loss of function.
Ataxia-telangiectasia syndrome (AT). Also called: Cerebello-oculocutaneous telangiectasia; Immunodeficiency with ataxia telangiectasia; Ataxia-telangiectasia, complementation group D; AT, COMPLEMENTATION GROUP C; Ataxia-telangiectasia, complementation group E; Ataxia-telangiectasia. Identifiers: Orphanet 100, MedGen C0004135, MONDO:0008840, OMIM 208900.

Allele frequency attached by ClinVar (database versions not stated): ExAC 0.00002; gnomAD exomes 0.00002; TOPMed 0.00002.
gnomAD v4.1: 28 of 1,612,488 alleles (0.0017%); highest among the groups gnomAD compares: Non-Finnish European, 0.001%; no homozygotes.

Submissions (12):

Labcorp Genetics (formerly Invitae), Labcorp
Classification: Likely benign for Ataxia-telangiectasia syndrome. Last evaluated: 2025-12-17. Review status: criteria provided, single submitter. Criteria: Invitae Variant Classification Sherloc (09022015). Collection method: clinical testing. Allele origin: germline.

Quest Diagnostics Nichols Institute San Juan Capistrano
Classification: Likely benign. Last evaluated: 2025-08-01. Review status: criteria provided, single submitter. Criteria: Quest Diagnostics criteria. Collection method: clinical testing. Allele origin: unknown.

Myriad Genetics, Inc.
Classification: Benign for Familial cancer of breast. Last evaluated: 2024-05-21. Review status: criteria provided, single submitter. Criteria: Myriad Autosomal Dominant, Autosomal Recessive and X-Linked Classification Criteria (2023). Collection method: clinical testing. Allele origin: unknown.
Comment: This variant is considered benign. This variant is a silent/synonymous amino acid change and it is not expected to impact splicing.

Blueprint Genetics
Classification: Likely benign. Last evaluated: 2023-12-07. Review status: criteria provided, single submitter. Criteria: ACMG Guidelines, 2015. Collection method: clinical testing. Allele origin: germline.

CHEO Genetics Diagnostic Laboratory, Children's Hospital of Eastern Ontario
Classification: Likely benign for Breast and/or ovarian cancer. Last evaluated: 2022-10-19. Review status: criteria provided, single submitter. Criteria: ACMG Guidelines, 2015. Collection method: clinical testing. Allele origin: germline.

CeGaT Center for Human Genetics Tuebingen
Classification: Likely benign. Last evaluated: 2022-06-01. Review status: criteria provided, single submitter. Criteria: CeGaT Center For Human Genetics Tuebingen Variant Classification Criteria Version 2. Collection method: clinical testing. Allele origin: germline. Affected: yes. Observed: 1 variant allele.
Comment: ATM: BP4, BP7

Sema4
Classification: Likely benign for Hereditary cancer-predisposing syndrome. Last evaluated: 2021-01-26. Review status: criteria provided, single submitter. Criteria: Sema4 Curation Guidelines. Collection method: curation. Allele origin: germline.

GeneDx
Classification: Likely benign. Last evaluated: 2019-07-11. Review status: criteria provided, single submitter. Criteria: GeneDx Variant Classification Process June 2021. Collection method: clinical testing. Allele origin: germline. Affected: yes.

Illumina Laboratory Services, Illumina
Classification: Uncertain significance for Ataxia-telangiectasia syndrome. Last evaluated: 2018-01-13. Review status: criteria provided, single submitter. Criteria: ICSL Variant Classification Criteria 13 December 2019. Collection method: clinical testing. Allele origin: germline.

Color Diagnostics, LLC DBA Color Health
Classification: Likely benign for Hereditary cancer-predisposing syndrome. Last evaluated: 2016-11-17. Review status: criteria provided, single submitter. Criteria: ACMG Guidelines, 2015. Collection method: clinical testing. Allele origin: germline.

Ambry Genetics
Classification: Likely benign for Hereditary cancer-predisposing syndrome. Last evaluated: 2014-11-24. Review status: criteria provided, single submitter. Criteria: Ambry Variant Classification Scheme 2023. Collection method: clinical testing. Allele origin: germline.

Department of Pathology and Laboratory Medicine, Sinai Health System
Classification: Likely benign. Review status: no assertion criteria provided. Collection method: clinical testing. Allele origin: unknown. Affected: yes. Study: The Canadian Open Genetics Repository (COGR). Not counted in ClinVar's aggregate classification.
Comment: The ATM p.Leu1668= variant was not identified in the literature nor was it identified in the GeneInsight-COGR, Cosmic, MutDB, or LOVD 3.0 databases. The variant was identified in dbSNP (ID: rs747317946) as â€šÃ„ÃºWith Likely benign alleleâ€šÃ„Ã¹, in ClinVar (as likely benign by Invitae, GeneDx, Ambry Genetics, and Color Genomics). The variant was identified in control databases in 5 of 245428 chromosomes at a frequency of 0.00002 (Genome Aggregation Database Feb 27, 2017). Breakdown of the observations by population include European (Non-Finnish) in 1 of 111058 chromosomes (freq: 0.000009), and Ashkenazi Jewish in 4 of 9832 chromosomes (freq: 0.000407), while the variant was not observed in the African, Other, Latino, East Asian, Finnish, and South Asian populations. The p.Leu1668= variant is not expected to have clinical significance because it does not result in a change of amino acid and is not located in a known consensus splice site. In addition, in silico or computational prediction software programs (SpliceSiteFinder, MaxEntScan, NNSPLICE, GeneSplicer, HumanSpliceFinder) do not predict a difference in splicing. In summary, based on the above information the clinical significance of this variant cannot be determined with certainty at this time although we would lean towards a more benign role for this variant. This variant is classified as likely benign.